The following is an entry in ClinVar:

ClinVar aggregate classification (germline): Likely benign (1 of 4 stars; one submission).

Submission:

CeGaT Center for Human Genetics Tuebingen
Classification: Likely benign. Last evaluated: 2026-02-01. Review status: criteria provided, single submitter. Criteria: CeGaT Center For Human Genetics Tuebingen Variant Classification Criteria Version 2. Collection method: clinical testing. Allele origin: germline. Affected: yes. Observed: 1 variant allele.
Comment: KDM5C: PM2:Supporting, BP4, BP7

NM_004187.5(KDM5C):c.1164T>C (p.Ala388=)

Gene: KDM5C (lysine demethylase 5C; minus strand). Cytogenetic location: Xp11.22.
Variant type: single nucleotide variant.
Coding change: c.1164T>C on transcript NM_004187.5 (MANE Select); coding-DNA position 1164, T replaced by C.
Protein change: p.Ala388=; no amino-acid change (alanine 388 retained).
Molecular consequence: synonymous variant. On other transcripts: non-coding transcript variant (3).
Genome position (GRCh38, 1-based): chrX:53,211,865, A>G on the plus strand (T>C on the coding strand, the complement: KDM5C is on the minus strand). VCF-style: chrX-53211865-A-G. GRCh37 (hg19) VCF-style: chrX-53241047-A-G.
Other names: c.963T>C, p.Ala321= (NM_001146702.2); c.1161T>C, p.Ala387= (NM_001282622.3, NM_001353979.2, NM_001353982.2); c.1164T>C, p.Ala388= (NM_001353978.3, NM_001353981.2, NM_001353984.2).
Identifiers: ClinVar variation 4823353 (VCV004823353.4).